The following is an entry in ClinVar:

NM_004484.4(GPC3):c.854G>A (p.Cys285Tyr)

Gene: GPC3 (glypican 3; minus strand). Cytogenetic location: Xq26.2.
Variant type: single nucleotide variant.
Coding change: c.854G>A on transcript NM_004484.4 (MANE Select); coding-DNA position 854, G replaced by A.
Protein change: p.Cys285Tyr; replaces cysteine 285 with tyrosine.
Molecular consequence: missense variant.
Genome position (GRCh38, 1-based): chrX:133,753,660, C>T on the plus strand (G>A on the coding strand, the complement: GPC3 is on the minus strand). VCF-style: chrX-133753660-C-T. GRCh37 (hg19) VCF-style: chrX-132887687-C-T.
Other names: c.854G>A, p.Cys285Tyr (NM_001164617.2); c.806G>A, p.Cys269Tyr (NM_001164618.2); c.692G>A, p.Cys231Tyr (NM_001164619.2); short protein forms C231Y, C269Y, C285Y.
Identifiers: ClinVar variation 1303886 (VCV001303886.2), dbSNP rs2124480056, ClinGen allele CA414705538.

ClinVar aggregate classification (germline): Uncertain significance (1 of 4 stars; one submission).

Submission:

GeneDx
Classification: Uncertain significance. Last evaluated: 2020-11-19. Review status: criteria provided, single submitter. Criteria: GeneDx Variant Classification Process June 2021. Collection method: clinical testing. Allele origin: germline. Affected: yes.
Comment: Not observed in large population cohorts (Lek et al., 2016); In silico analysis, which includes protein predictors and evolutionary conservation, supports a deleterious effect; Has not been previously published as pathogenic or benign to our knowledge